The following is an entry in ClinVar:

NM_001283009.2(RTEL1):c.2157C>A (p.Asp719Glu)

Genes: RTEL1 (regulator of telomere elongation helicase 1; plus strand), RTEL1-TNFRSF6B (RTEL1-TNFRSF6B readthrough (NMD candidate); plus strand). Cytogenetic location: 20q13.33.
Variant type: single nucleotide variant.
Coding change: c.2157C>A on transcript NM_001283009.2 (MANE Select); coding-DNA position 2157, C replaced by A.
Protein change: p.Asp719Glu; replaces aspartic acid 719 with glutamic acid.
Molecular consequence: missense variant. On other transcripts: non-coding transcript variant (1).
Genome position (GRCh38, 1-based): chr20:63,690,102, C>A. VCF-style: chr20-63690102-C-A. GRCh37 (hg19) VCF-style: chr20-62321455-C-A.
Other names: c.1488C>A, p.Asp496Glu (NM_001283010.1); c.2157C>A, p.Asp719Glu (NM_016434.4); c.2229C>A, p.Asp743Glu (NM_032957.5); short protein forms D496E, D719E, D743E.
Identifiers: ClinVar variation 4863589 (VCV004863589.1).

ClinVar aggregate classification (germline): Uncertain significance (1 of 4 stars; one submission).

Conditions:
Inborn genetic diseases. Identifiers: MedGen C0950123, MeSH D030342.

gnomAD v4.1: 1 of 1,611,760 alleles (0.000062%); highest among the groups gnomAD compares: South Asian, 0.0011%; no homozygotes.

Submission:

Ambry Genetics
Classification: Uncertain significance for Inborn genetic diseases. Last evaluated: 2026-05-14. Review status: criteria provided, single submitter. Criteria: Ambry Variant Classification Scheme 2023. Collection method: clinical testing. Allele origin: germline.
Comment: The p.D719E variant (also known as c.2157C>A), located in coding exon 24 of the RTEL1 gene, results from a C to A substitution at nucleotide position 2157. The aspartic acid at codon 719 is replaced by glutamic acid, an amino acid with highly similar properties. This amino acid position is conserved. In addition, this alteration is predicted to be tolerated by in silico analysis. Based on the available evidence, the clinical significance of this variant remains unclear.